The following is an entry in ClinVar:

ClinVar aggregate classification (germline): Benign/Likely benign. Review status: criteria provided, multiple submitters, no conflicts (2 of 4 stars). 4 submissions from 4 submitters: Benign (2); Likely benign (2). Last evaluated 2023-04-11.

Conditions:
Intellectual disability-microcephaly-strabismus-behavioral abnormalities syndrome. Also called: White-Sutton Syndrome. Identifiers: Orphanet 468678, MedGen C4225351, MONDO:0014606, OMIM 616364.

Allele frequency attached by ClinVar (database versions not stated): gnomAD exomes 0.00007 and 0.00013; ExAC 0.00015; 1000 Genomes Project 0.00040; ESP Exome Variant Server 0.00046; 1000 Genomes Project 30x 0.00047; gnomAD 0.00052 and 0.00058; TOPMed 0.00068.
gnomAD v4.1: 188 of 1,610,902 alleles (0.012%); highest among the groups gnomAD compares: African/African-American, 0.24%; no homozygotes.

Submissions (4):

Genome-Nilou Lab
Classification: Likely benign for Intellectual disability-microcephaly-strabismus-behavioral abnormalities syndrome. Last evaluated: 2023-04-11. Review status: criteria provided, single submitter. Criteria: ACMG Guidelines, 2015. Collection method: clinical testing. Allele origin: germline. Affected: no.

CeGaT Center for Human Genetics Tuebingen
Classification: Benign. Last evaluated: 2022-07-01. Review status: criteria provided, single submitter. Criteria: CeGaT Center For Human Genetics Tuebingen Variant Classification Criteria Version 2. Collection method: clinical testing. Allele origin: germline. Affected: yes. Observed: 1 variant allele.
Comment: POGZ: BS1, BS2

GeneDx
Classification: Benign. Last evaluated: 2021-03-04. Review status: criteria provided, single submitter. Criteria: GeneDx Variant Classification Process June 2021. Collection method: clinical testing. Allele origin: germline. Affected: yes.

Labcorp Genetics (formerly Invitae), Labcorp
Classification: Likely benign. Last evaluated: 2018-03-29. Review status: criteria provided, single submitter. Criteria: Invitae Variant Classification Sherloc (09022015). Collection method: clinical testing. Allele origin: germline.

NM_015100.4(POGZ):c.2559A>G (p.Ile853Met)

Gene: POGZ (pogo transposable element derived with ZNF domain; minus strand). Cytogenetic location: 1q21.3.
Variant type: single nucleotide variant.
Coding change: c.2559A>G on transcript NM_015100.4 (MANE Select); coding-DNA position 2559, A replaced by G.
Protein change: p.Ile853Met; replaces isoleucine 853 with methionine.
Molecular consequence: missense variant.
Genome position (GRCh38, 1-based): chr1:151,406,618, T>C on the plus strand (A>G on the coding strand, the complement: POGZ is on the minus strand). VCF-style: chr1-151406618-T-C. GRCh37 (hg19) VCF-style: chr1-151379094-T-C.
Other names: c.2532A>G, p.Ile844Met (NM_001194937.2); c.2373A>G, p.Ile791Met (NM_001194938.2); c.2274A>G, p.Ile758Met (NM_145796.4); c.2400A>G, p.Ile800Met (NM_207171.2); short protein forms I758M, I853M, I844M, I791M, I800M.
Identifiers: ClinVar variation 730661 (VCV000730661.29), dbSNP rs150453554, ClinGen allele CA1091127.